The following is an entry in ClinVar:

NM_015080.4(NRXN2):c.1523G>A (p.Arg508His)

Gene: NRXN2 (neurexin 2; minus strand). Cytogenetic location: 11q13.1.
Variant type: single nucleotide variant.
Coding change: c.1523G>A on transcript NM_015080.4 (MANE Select); coding-DNA position 1523, G replaced by A.
Protein change: p.Arg508His; replaces arginine 508 with histidine.
Molecular consequence: missense variant.
Genome position (GRCh38, 1-based): chr11:64,667,525, C>T on the plus strand (G>A on the coding strand, the complement: NRXN2 is on the minus strand). VCF-style: chr11-64667525-C-T. GRCh37 (hg19) VCF-style: chr11-64434997-C-T.
Other names: c.1523G>A, p.Arg508His (NM_001376262.1); c.1502G>A, p.Arg501His (NM_001376263.1, NM_001376267.1); c.1478G>A, p.Arg493His (NM_001376265.1); c.1499G>A, p.Arg500His (NM_001376266.1); c.1430G>A, p.Arg477His (NM_138732.3); c.1523G>A (NM_015080.3); short protein forms R477H, R493H, R500H, R501H, R508H.
Identifiers: ClinVar variation 2641928 (VCV002641928.25), dbSNP rs140588352, ClinGen allele CA6078424.
Genomic context (GRCh38, chr11:64,667,525, plus strand): 5'-CCATTGGGCTCGGTGGTGCGGAAGTCTAGGGAGATGGAGCCAGTGCGCTTAGCGCTCCAG[C>T]GGGGCAGCGCCACAAAGGCCTCGGGACTCTCAAAGGTCACAGGGTCCAGGGCAGCCACAT-3'
Protein context (NP_055895.1, residues 498-518): ESPEAFVALP[Arg508His]WSAKRTGSIS

ClinVar aggregate classification (germline): Likely benign. Review status: criteria provided, single submitter (1 of 4 stars). 2 submissions from 2 submitters: Likely benign (1). 1 of the submissions does not count toward it. Last evaluated 2023-02-01.

Conditions:
NRXN2-related disorder. Also called: NRXN2-related condition.

Allele frequency attached by ClinVar (database versions not stated): gnomAD exomes 0.00046; ExAC 0.00104; gnomAD 0.00201; ESP Exome Variant Server 0.00239; 1000 Genomes Project 0.00240; TOPMed 0.00247; 1000 Genomes Project 30x 0.00281.
gnomAD v4.1: 1,011 of 1,614,064 alleles (0.063%); highest among the groups gnomAD compares: African/African-American, 0.65%; 1 homozygote.

Submissions (2):

CeGaT Center for Human Genetics Tuebingen
Classification: Likely benign. Last evaluated: 2023-02-01. Review status: criteria provided, single submitter. Criteria: CeGaT Center For Human Genetics Tuebingen Variant Classification Criteria Version 2. Collection method: clinical testing. Allele origin: germline. Affected: yes. Observed: 1 variant allele.
Comment: NRXN2: PP2, BS1

PreventionGenetics, part of Exact Sciences
Classification: Likely benign for NRXN2-related condition. Last evaluated: 2019-12-06. Review status: no assertion criteria provided. Collection method: clinical testing. Allele origin: germline. Not counted in ClinVar's aggregate classification.
Comment: This variant is classified as likely benign based on ACMG/AMP sequence variant interpretation guidelines (Richards et al. 2015 PMID: 25741868, with internal and published modifications).